The following is an entry in ClinVar:

ClinVar aggregate classification (germline): Uncertain significance. Review status: criteria provided, multiple submitters, no conflicts (2 of 4 stars). 4 submissions from 4 submitters: Uncertain significance (3). 1 of the submissions does not count toward it. Last evaluated 2024-10-16.

Conditions:
BMP1-related disorder. Also called: BMP1-related condition.
Inborn genetic diseases. Identifiers: MedGen C0950123, MeSH D030342.
Osteogenesis imperfecta type 13. Also called: Osteogenesis imperfecta, type xiii; OI, TYPE XIII. Identifiers: Orphanet 666, MedGen C3553887, MONDO:0013924, OMIM 614856.

Allele frequency attached by ClinVar (database versions not stated): ExAC 0.00002; gnomAD exomes 0.00003; ESP Exome Variant Server 0.00008; gnomAD 0.00008 and 0.00009; TOPMed 0.00008; 1000 Genomes Project 30x 0.00016; 1000 Genomes Project 0.00020.
gnomAD v4.1: 114 of 1,614,148 alleles (0.0071%); highest among the groups gnomAD compares: Middle Eastern, 0.033%; no homozygotes.

Submissions (4):

Labcorp Genetics (formerly Invitae), Labcorp
Classification: Uncertain significance. Last evaluated: 2024-10-16. Review status: criteria provided, single submitter. Criteria: Invitae Variant Classification Sherloc (09022015). Collection method: clinical testing. Allele origin: germline.
Comment: This sequence change replaces glycine, which is neutral and non-polar, with serine, which is neutral and polar, at codon 819 of the BMP1 protein (p.Gly819Ser). This variant is present in population databases (rs200936548, gnomAD 0.006%). This variant has not been reported in the literature in individuals affected with BMP1-related conditions. ClinVar contains an entry for this variant (Variation ID: 1385920). Invitae Evidence Modeling of protein sequence and biophysical properties (such as structural, functional, and spatial information, amino acid conservation, physicochemical variation, residue mobility, and thermodynamic stability) has been performed for this missense variant. However, the output from this modeling did not meet the statistical confidence thresholds required to predict the impact of this variant on BMP1 protein function. In summary, the available evidence is currently insufficient to determine the role of this variant in disease. Therefore, it has been classified as a Variant of Uncertain Significance.

Ambry Genetics
Classification: Uncertain significance for Inborn genetic diseases. Last evaluated: 2021-10-29. Review status: criteria provided, single submitter. Criteria: Ambry Variant Classification Scheme 2023. Collection method: clinical testing. Allele origin: germline.

Fulgent Genetics
Classification: Uncertain significance for Osteogenesis imperfecta type 13. Last evaluated: 2021-09-27. Review status: criteria provided, single submitter. Criteria: ACMG Guidelines, 2015. Collection method: clinical testing. Allele origin: unknown.

PreventionGenetics, part of Exact Sciences
Classification: Uncertain significance for BMP1-related condition. Last evaluated: 2024-04-30. Review status: no assertion criteria provided. Collection method: clinical testing. Allele origin: germline. Not counted in ClinVar's aggregate classification.
Comment: The BMP1 c.2455G>A variant is predicted to result in the amino acid substitution p.Gly819Ser. To our knowledge, this variant has not been reported in the literature. This variant is reported in 0.0058% of alleles in individuals of Latino descent in gnomAD. At this time, the clinical significance of this variant is uncertain due to the absence of conclusive functional and genetic evidence.

NM_006129.5(BMP1):c.2455G>A (p.Gly819Ser)

Gene: BMP1 (bone morphogenetic protein 1; plus strand). Cytogenetic location: 8p21.3.
Variant type: single nucleotide variant.
Coding change: c.2455G>A on transcript NM_006129.5 (MANE Select); coding-DNA position 2455, G replaced by A.
Protein change: p.Gly819Ser; replaces glycine 819 with serine.
Molecular consequence: missense variant. On other transcripts: non-coding transcript variant (1).
Genome position (GRCh38, 1-based): chr8:22,207,396, G>A. VCF-style: chr8-22207396-G-A. GRCh37 (hg19) VCF-style: chr8-22064909-G-A.
Other names: c.2455G>A (NM_006129.4); short protein forms G819S.
Identifiers: ClinVar variation 1385920 (VCV001385920.9), dbSNP rs200936548, ClinGen allele CA4665261.